The following is an entry in ClinVar:

ClinVar aggregate classification (germline): Uncertain significance (1 of 4 stars; one submission).

gnomAD v4.1: 4 of 1,613,268 alleles (0.00025%); highest among the groups gnomAD compares: East Asian, 0.0089%; no homozygotes.

Submission:

Ambry Genetics
Classification: Uncertain significance. Last evaluated: 2024-09-16. Review status: criteria provided, single submitter. Criteria: Ambry Variant Classification Scheme 2023. Collection method: clinical testing. Allele origin: germline.
Comment: The p.R20L variant (also known as c.59G>T), located in coding exon 1 of the IDH1 gene, results from a G to T substitution at nucleotide position 59. The arginine at codon 20 is replaced by leucine, an amino acid with dissimilar properties. This amino acid position is conserved. In addition, this alteration is predicted to be deleterious by in silico analysis. Since supporting evidence is limited at this time, the clinical significance of this alteration remains unclear.

NM_005896.4(IDH1):c.59G>T (p.Arg20Leu)

Gene: IDH1 (isocitrate dehydrogenase (NADP(+)) 1; minus strand). Cytogenetic location: 2q34.
Variant type: single nucleotide variant.
Coding change: c.59G>T on transcript NM_005896.4 (MANE Select); coding-DNA position 59, G replaced by T.
Protein change: p.Arg20Leu; replaces arginine 20 with leucine.
Molecular consequence: missense variant.
Genome position (GRCh38, 1-based): chr2:208,251,493, C>A on the plus strand (G>T on the coding strand, the complement: IDH1 is on the minus strand). VCF-style: chr2-208251493-C-A. GRCh37 (hg19) VCF-style: chr2-209116217-C-A.
Other names: c.59G>T, p.Arg20Leu (NM_001282386.1, NM_001282387.1); short protein forms R20L.
Identifiers: ClinVar variation 1750970 (VCV001750970.3), dbSNP rs201258988, ClinGen allele CA2079109.